The following is an entry in ClinVar:

NM_022081.6(HPS4):c.554G>T (p.Arg185Leu)

Gene: HPS4 (HPS4 biogenesis of lysosomal organelles complex 3 subunit 2; minus strand). Cytogenetic location: 22q12.1.
Variant type: single nucleotide variant.
Coding change: c.554G>T on transcript NM_022081.6 (MANE Select); coding-DNA position 554, G replaced by T.
Protein change: p.Arg185Leu; replaces arginine 185 with leucine.
Molecular consequence: missense variant. On other transcripts: non-coding transcript variant (8).
Genome position (GRCh38, 1-based): chr22:26,470,761, C>A on the plus strand (G>T on the coding strand, the complement: HPS4 is on the minus strand). VCF-style: chr22-26470761-C-A. GRCh37 (hg19) VCF-style: chr22-26866727-C-A.
Other names: c.554G>T, p.Arg185Leu (NM_001349896.1, NM_001349898.2, NM_001349899.2 and 6 more transcripts); c.539G>T, p.Arg180Leu (NM_152841.2); short protein forms R185L, R180L.
Identifiers: ClinVar variation 1516147 (VCV001516147.6), dbSNP rs111522254, ClinGen allele CA411030467.

ClinVar aggregate classification (germline): Uncertain significance (1 of 4 stars; one submission).

Submission:

Labcorp Genetics (formerly Invitae), Labcorp
Classification: Uncertain significance. Last evaluated: 2021-08-29. Review status: criteria provided, single submitter. Criteria: Invitae Variant Classification Sherloc (09022015). Collection method: clinical testing. Allele origin: germline.
Comment: In summary, the available evidence is currently insufficient to determine the role of this variant in disease. Therefore, it has been classified as a Variant of Uncertain Significance. Algorithms developed to predict the effect of missense changes on protein structure and function (SIFT, PolyPhen-2, Align-GVGD) all suggest that this variant is likely to be disruptive. This variant has not been reported in the literature in individuals affected with HPS4-related conditions. This variant is not present in population databases (ExAC no frequency). This sequence change replaces arginine with leucine at codon 185 of the HPS4 protein (p.Arg185Leu). The arginine residue is highly conserved and there is a moderate physicochemical difference between arginine and leucine.